The following is an entry in ClinVar:

ClinVar aggregate classification (germline): Uncertain significance. Review status: criteria provided, multiple submitters, no conflicts (2 of 4 stars). 2 submissions from 2 submitters: Uncertain significance (2). Last evaluated 2024-07-03.

Conditions:
Hereditary cancer-predisposing syndrome. Also called: Neoplastic Syndromes, Hereditary; Hereditary Cancer Syndrome; Hereditary neoplastic syndrome; Tumor predisposition. Identifiers: Orphanet 140162, MedGen C0027672, MeSH D009386, MONDO:0015356.
Familial meningioma. Also called: Meningioma, familial, susceptibility to. Identifiers: Orphanet 263662, MedGen C3551915, MONDO:0011789, OMIM 607174.

Submissions (2):

Ambry Genetics
Classification: Uncertain significance for Hereditary cancer-predisposing syndrome. Last evaluated: 2024-07-03. Review status: criteria provided, single submitter. Criteria: Ambry Variant Classification Scheme 2023. Collection method: clinical testing. Allele origin: germline.
Comment: The p.L116V variant (also known as c.346T>G), located in coding exon 5 of the SMARCE1 gene, results from a T to G substitution at nucleotide position 346. The leucine at codon 116 is replaced by valine, an amino acid with highly similar properties. This amino acid position is highly conserved in available vertebrate species. In addition, the in silico prediction for this alteration is inconclusive. Based on the available evidence, the clinical significance of this variant remains unclear.

Labcorp Genetics (formerly Invitae), Labcorp
Classification: Uncertain significance for Familial meningioma. Last evaluated: 2023-05-23. Review status: criteria provided, single submitter. Criteria: Invitae Variant Classification Sherloc (09022015). Collection method: clinical testing. Allele origin: germline.
Comment: In summary, the available evidence is currently insufficient to determine the role of this variant in disease. Therefore, it has been classified as a Variant of Uncertain Significance. Advanced modeling of protein sequence and biophysical properties (such as structural, functional, and spatial information, amino acid conservation, physicochemical variation, residue mobility, and thermodynamic stability) performed at Invitae indicates that this missense variant is not expected to disrupt SMARCE1 protein function. This variant has not been reported in the literature in individuals affected with SMARCE1-related conditions. This variant is not present in population databases (gnomAD no frequency). This sequence change replaces leucine, which is neutral and non-polar, with valine, which is neutral and non-polar, at codon 116 of the SMARCE1 protein (p.Leu116Val).

NM_003079.5(SMARCE1):c.346T>G (p.Leu116Val)

Gene: SMARCE1 (SWI/SNF related BAF chromatin remodeling complex subunit E1; minus strand). Cytogenetic location: 17q21.2.
Variant type: single nucleotide variant.
Coding change: c.346T>G on transcript NM_003079.5 (MANE Select); coding-DNA position 346, T replaced by G.
Protein change: p.Leu116Val; replaces leucine 116 with valine.
Molecular consequence: missense variant.
Genome position (GRCh38, 1-based): chr17:40,636,418, A>C on the plus strand (T>G on the coding strand, the complement: SMARCE1 is on the minus strand). VCF-style: chr17-40636418-A-C. GRCh37 (hg19) VCF-style: chr17-38792670-A-C.
Other names: short protein forms L116V.
Identifiers: ClinVar variation 2561865 (VCV002561865.6), dbSNP rs2508604537, ClinGen allele CA399367024.